The following is an entry in ClinVar:

NC_000005.10:g.(?_1253708)_(1272300_?)dup

Gene: TERT (telomerase reverse transcriptase; minus strand). Cytogenetic location: 5p15.33.
Variant type: Duplication.
Identifiers: ClinVar variation 831477 (VCV000831477.1).

ClinVar aggregate classification (germline): Uncertain significance (1 of 4 stars; one submission).

Conditions:
Interstitial lung disease 2 (ILD2). Also called: Familial idiopathic pulmonary fibrosis; FIBROCYSTIC PULMONARY DYSPLASIA; FIBROSING ALVEOLITIS, CRYPTOGENIC. Identifiers: Orphanet 2032, Orphanet 79126, MedGen C5561926, MONDO:0800497, OMIM 178500, MONDO:0800029.
Dyskeratosis congenita, autosomal dominant 2. Identifiers: MedGen C3151443, MONDO:0013521, OMIM 613989.

Submission:

Labcorp Genetics (formerly Invitae), Labcorp
Classification: Uncertain significance for Dyskeratosis congenita, autosomal dominant, 2; Idiopathic fibrosing alveolitis, chronic form. Last evaluated: 2019-07-15. Review status: criteria provided, single submitter. Criteria: Invitae Variant Classification Sherloc (09022015). Collection method: clinical testing. Allele origin: germline.
Comment: This variant is a gross duplication of the genomic region encompassing exons 7-16 of the TERT gene. The 5' boundary is likely confined to intron 6. The 3' end of this event is unknown as it extends beyond the assayed region for this gene and therefore may encompass additional genes. This gross duplication has not been reported in the literature in an individual with TERT-related disease. Experimental studies and prediction algorithms are not available for this variant, and the functional significance of the duplicated amino acids is currently unknown. In summary, the exact genomic location of this variant is unknown and the impact of this duplication on TERT protein function has not been established. Therefore, it has been classified as a Variant of Uncertain Significance